The following is an entry in ClinVar:

NM_002890.3(RASA1):c.193G>C (p.Ala65Pro)

Gene: RASA1 (RAS p21 protein activator 1; plus strand). Cytogenetic location: 5q14.3.
Variant type: single nucleotide variant.
Coding change: c.193G>C on transcript NM_002890.3 (MANE Select); coding-DNA position 193, G replaced by C.
Protein change: p.Ala65Pro; replaces alanine 65 with proline.
Molecular consequence: missense variant.
Genome position (GRCh38, 1-based): chr5:87,268,644, G>C. VCF-style: chr5-87268644-G-C. GRCh37 (hg19) VCF-style: chr5-86564461-G-C.
Other names: short protein forms A65P.
Identifiers: ClinVar variation 1783037 (VCV001783037.2), dbSNP rs2531002537, ClinGen allele CA360416950.

ClinVar aggregate classification (germline): Uncertain significance (1 of 4 stars; one submission).

Conditions:
Cardiovascular phenotype. Identifiers: MedGen CN230736.

Submission:

Ambry Genetics
Classification: Uncertain significance for Cardiovascular phenotype. Last evaluated: 2021-11-19. Review status: criteria provided, single submitter. Criteria: Ambry Variant Classification Scheme 2023. Collection method: clinical testing. Allele origin: germline.
Comment: The p.A65P variant (also known as c.193G>C), located in coding exon 1 of the RASA1 gene, results from a G to C substitution at nucleotide position 193. The alanine at codon 65 is replaced by proline, an amino acid with highly similar properties. This amino acid position is conserved. In addition, this alteration is predicted to be tolerated by in silico analysis. Since supporting evidence is limited at this time, the clinical significance of this alteration remains unclear.